The following is an entry in ClinVar:

ClinVar aggregate classification (germline): Uncertain significance (1 of 4 stars; one submission).

Conditions:
Ehlers-Danlos syndrome, musculocontractural type (EDSMC). Also called: ADDUCTED THUMB-CLUBFOOT SYNDROME; Adducted thumb, clubfoot, progressive joint and skin laxity syndrome; DUNDAR SYNDROME; ARTHROGRYPOSIS, DISTAL, WITH PECULIAR FACIES AND HYDRONEPHROSIS. Identifiers: Orphanet 2953, MedGen C1866294, MONDO:0011142.

Allele frequency attached by ClinVar (database versions not stated): gnomAD exomes below 0.00001.

Submission:

Labcorp Genetics (formerly Invitae), Labcorp
Classification: Uncertain significance for Ehlers-Danlos syndrome, musculocontractural type. Last evaluated: 2022-02-03. Review status: criteria provided, single submitter. Criteria: Invitae Variant Classification Sherloc (09022015). Collection method: clinical testing. Allele origin: germline.
Comment: This variant is present in population databases (no rsID available, gnomAD 0.003%). This sequence change replaces leucine, which is neutral and non-polar, with proline, which is neutral and non-polar, at codon 210 of the CHST14 protein (p.Leu210Pro). This variant has not been reported in the literature in individuals affected with CHST14-related conditions. In summary, the available evidence is currently insufficient to determine the role of this variant in disease. Therefore, it has been classified as a Variant of Uncertain Significance. Algorithms developed to predict the effect of missense changes on protein structure and function (SIFT, PolyPhen-2, Align-GVGD) all suggest that this variant is likely to be disruptive.

NM_130468.4(CHST14):c.629T>C (p.Leu210Pro)

Gene: CHST14 (carbohydrate sulfotransferase 14; plus strand). Cytogenetic location: 15q15.1.
Variant type: single nucleotide variant.
Coding change: c.629T>C on transcript NM_130468.4 (MANE Select); coding-DNA position 629, T replaced by C.
Protein change: p.Leu210Pro; replaces leucine 210 with proline.
Molecular consequence: missense variant.
Genome position (GRCh38, 1-based): chr15:40,471,842, T>C. VCF-style: chr15-40471842-T-C. GRCh37 (hg19) VCF-style: chr15-40764041-T-C.
Other names: short protein forms L210P.
Identifiers: ClinVar variation 2092310 (VCV002092310.4), dbSNP rs1477968959, ClinGen allele CA391766483.